The following is an entry in ClinVar:

ClinVar aggregate classification (germline): Benign. Review status: criteria provided, multiple submitters, no conflicts (2 of 4 stars). 2 submissions from 2 submitters: Benign (2). Last evaluated 2018-06-19.

Allele frequency attached by ClinVar (database versions not stated): gnomAD 0.24634 and 0.24922; TOPMed 0.25619; 1000 Genomes Project 30x 0.29388; 1000 Genomes Project 0.29473.
gnomAD v4.1: 99,333 of 397,844 alleles (25%); highest among the groups gnomAD compares: East Asian, 48%; 13,068 homozygotes.

Submissions (2):

GeneDx
Classification: Benign. Last evaluated: 2018-06-19. Review status: criteria provided, single submitter. Criteria: GeneDx Variant Classification (06012015). Collection method: clinical testing. Allele origin: germline. Affected: yes.
Comment: This variant is considered likely benign or benign based on one or more of the following criteria: it is a conservative change, it occurs at a poorly conserved position in the protein, it is predicted to be benign by multiple in silico algorithms, and/or has population frequency not consistent with disease.

Breakthrough Genomics
Classification: Benign. Review status: criteria provided, single submitter. Criteria: ACMG Guidelines, 2015. Collection method: not provided. Allele origin: germline. Inheritance: Autosomal recessive inheritance. Affected: yes.

NM_172250.3(MMAA):c.733+276T>G

Gene: MMAA (metabolism of cobalamin associated A; plus strand). Cytogenetic location: 4q31.21.
Variant type: single nucleotide variant.
Coding change: c.733+276T>G on transcript NM_172250.3 (MANE Select); 276 bases into the intron after coding-DNA position 733, T replaced by G.
Molecular consequence: intron variant.
Genome position (GRCh38, 1-based): chr4:145,646,432, T>G. VCF-style: chr4-145646432-T-G. GRCh37 (hg19) VCF-style: chr4-146567584-T-G.
Identifiers: ClinVar variation 667501 (VCV000667501.2), dbSNP rs17014946, ClinGen allele CA107676716.